The following is an entry in ClinVar:

ClinVar aggregate classification (germline): Uncertain significance. Review status: criteria provided, multiple submitters, no conflicts (2 of 4 stars). 3 submissions from 3 submitters: Uncertain significance (3). Last evaluated 2023-09-15.

Conditions:
Autosomal dominant centronuclear myopathy. Also called: MYOTUBULAR MYOPATHY, AUTOSOMAL DOMINANT; Myopathy, centronuclear, 3. Identifiers: Orphanet 169189, MedGen C4551952, MeSH D020914, MONDO:0008048, OMIM 160150.
Charcot-Marie-Tooth disease dominant intermediate B (CMTDIB). Also called: CHARCOT-MARIE-TOOTH NEUROPATHY, DOMINANT INTERMEDIATE B; Charcot-Marie-Tooth disease dominant intermediate 1; CMT DI1; Charcot-Marie-Tooth disease dominant intermediate I. Identifiers: Orphanet 100044, Orphanet 228179, MedGen C1847902, MONDO:0011674, OMIM 606482.
Fetal akinesia-cerebral and retinal hemorrhage syndrome. Also called: MYOPATHY, CENTRONUCLEAR, LETHAL, AUTOSOMAL RECESSIVE; Lethal congenital contracture syndrome 5. Identifiers: Orphanet 363409, MedGen C4706410, MONDO:0014149, OMIM 615368.

gnomAD v4.1: 18 of 1,614,166 alleles (0.0011%); highest among the groups gnomAD compares: Non-Finnish European, 0.0014%; no homozygotes.

Submissions (3):

Labcorp Genetics (formerly Invitae), Labcorp
Classification: Uncertain significance for Charcot-Marie-Tooth disease dominant intermediate B. Last evaluated: 2023-09-15. Review status: criteria provided, single submitter. Criteria: Invitae Variant Classification Sherloc (09022015). Collection method: clinical testing. Allele origin: germline.
Comment: This sequence change replaces lysine, which is basic and polar, with asparagine, which is neutral and polar, at codon 157 of the DNM2 protein (p.Lys157Asn). This variant is present in population databases (rs757708760, gnomAD 0.0009%). This variant has not been reported in the literature in individuals affected with DNM2-related conditions. ClinVar contains an entry for this variant (Variation ID: 812030). Advanced modeling of protein sequence and biophysical properties (such as structural, functional, and spatial information, amino acid conservation, physicochemical variation, residue mobility, and thermodynamic stability) has been performed at Invitae for this missense variant, however the output from this modeling did not meet the statistical confidence thresholds required to predict the impact of this variant on DNM2 protein function. In summary, the available evidence is currently insufficient to determine the role of this variant in disease. Therefore, it has been classified as a Variant of Uncertain Significance.

Revvity Omics, Revvity
Classification: Uncertain significance. Last evaluated: 2019-09-05. Review status: criteria provided, single submitter. Criteria: ACMG Guidelines, 2015. Collection method: clinical testing. Allele origin: germline.

ARUP Laboratories, Molecular Genetics and Genomics, ARUP Laboratories
Classification: Uncertain significance. Last evaluated: 2019-05-20. Review status: criteria provided, single submitter. Criteria: ARUP Molecular Germline Variant Investigation Process. Collection method: clinical testing. Allele origin: germline.
Comment: The DNM2 c.471G>T; p.Lys157Asn variant (rs757708760), to our knowledge, is not reported in the medical literature or gene specific databases. This variant is only observed on one allele in the Genome Aggregation Database, indicating it is not a common polymorphism. The lysine at codon 157 is moderately conserved, and computational analyses (SIFT: damaging, PolyPhen-2: benign) predict conflicting effects of this variant on protein structure/function. Due to limited information, the clinical significance of the p.Lys157Asn variant is uncertain at this time.

NM_001005361.3(DNM2):c.471G>T (p.Lys157Asn)

Gene: DNM2 (dynamin 2; plus strand). Cytogenetic location: 19p13.2.
Variant type: single nucleotide variant.
Coding change: c.471G>T on transcript NM_001005361.3 (MANE Select); coding-DNA position 471, G replaced by T.
Protein change: p.Lys157Asn; replaces lysine 157 with asparagine.
Molecular consequence: missense variant.
Genome position (GRCh38, 1-based): chr19:10,775,788, G>T. VCF-style: chr19-10775788-G-T. GRCh37 (hg19) VCF-style: chr19-10886464-G-T.
Other names: c.471G>T (NM_001005360.2); c.471G>T, p.Lys157Asn (NM_001005360.3, NM_001005362.3, NM_001190716.2 and 1 more transcripts); short protein forms K157N.
Identifiers: ClinVar variation 812030 (VCV000812030.17), dbSNP rs757708760, ClinGen allele CA9200804.